The following is an entry in ClinVar:

NM_004415.4(DSP):c.5771C>T (p.Thr1924Ile)

Gene: DSP (desmoplakin; plus strand). Cytogenetic location: 6p24.3.
Variant type: single nucleotide variant.
Coding change: c.5771C>T on transcript NM_004415.4 (MANE Select); coding-DNA position 5771, C replaced by T.
Protein change: p.Thr1924Ile; replaces threonine 1924 with isoleucine.
Molecular consequence: missense variant.
Genome position (GRCh38, 1-based): chr6:7,583,033, C>T. VCF-style: chr6-7583033-C-T. GRCh37 (hg19) VCF-style: chr6-7583266-C-T.
Other names: c.3974C>T, p.Thr1325Ile (NM_001008844.3); c.4442C>T, p.Thr1481Ile (NM_001319034.2); short protein forms T1924I, T1325I, T1481I.
Identifiers: ClinVar variation 4791058 (VCV004791058.1).

ClinVar aggregate classification (germline): Uncertain significance (1 of 4 stars; one submission).

Conditions:
Arrhythmogenic cardiomyopathy with wooly hair and keratoderma. Also called: PALMOPLANTAR KERATODERMA WITH LEFT VENTRICULAR CARDIOMYOPATHY AND WOOLLY HAIR; Carvajal syndrome; Dilated cardiomyopathy with woolly hair and keratoderma; Arrhythmogenic cardiomyopathy with woolly hair and keratoderma. Identifiers: Orphanet 65282, MedGen C1854063, MONDO:0011581, OMIM 605676.
Arrhythmogenic right ventricular dysplasia 8 (ARVD8). Also called: Arrhythmogenic Right Ventricular Dysplasia/Cardiomyopathy 8; ARRHYTHMOGENIC RIGHT VENTRICULAR DYSPLASIA, FAMILIAL, 8; ARRHYTHMOGENIC RIGHT VENTRICULAR CARDIOMYOPATHY 8. Identifiers: MedGen C1843896, MONDO:0011831, OMIM 607450.

Submission:

Labcorp Genetics (formerly Invitae), Labcorp
Classification: Uncertain significance for Arrhythmogenic cardiomyopathy with wooly hair and keratoderma; Arrhythmogenic right ventricular dysplasia 8. Last evaluated: 2025-12-21. Review status: criteria provided, single submitter. Criteria: Invitae Variant Classification Sherloc (09022015). Collection method: clinical testing. Allele origin: germline.
Comment: This sequence change replaces threonine, which is neutral and polar, with isoleucine, which is neutral and non-polar, at codon 1924 of the DSP protein (p.Thr1924Ile). This variant is not present in population databases (gnomAD no frequency). This variant has not been reported in the literature in individuals affected with DSP-related conditions. An algorithm developed to predict the effect of missense changes on protein structure and function (PolyPhen-2) suggests that this variant is likely to be disruptive. In summary, the available evidence is currently insufficient to determine the role of this variant in disease. Therefore, it has been classified as a Variant of Uncertain Significance.